The following is an entry in ClinVar:

NM_153682.3(PIGP):c.322A>T (p.Ile108Phe)

Gene: PIGP (phosphatidylinositol glycan anchor biosynthesis class P; minus strand). Cytogenetic location: 21q22.13.
Variant type: single nucleotide variant.
Coding change: c.322A>T on transcript NM_153682.3 (MANE Select); coding-DNA position 322, A replaced by T.
Protein change: p.Ile108Phe; replaces isoleucine 108 with phenylalanine.
Molecular consequence: missense variant.
Genome position (GRCh38, 1-based): chr21:37,065,665, T>A on the plus strand (A>T on the coding strand, the complement: PIGP is on the minus strand). VCF-style: chr21-37065665-T-A. GRCh37 (hg19) VCF-style: chr21-38437965-T-A.
Other names: c.322A>T, p.Ile108Phe (NM_001320480.2); c.244A>T, p.Ile82Phe (NM_016430.4); c.394A>T, p.Ile132Phe (NM_153681.2); short protein forms I82F, I108F, I132F.
Identifiers: ClinVar variation 2105495 (VCV002105495.6), dbSNP rs200401315, ClinGen allele CA320402149.

ClinVar aggregate classification (germline): Uncertain significance. Review status: criteria provided, multiple submitters, no conflicts (2 of 4 stars). 3 submissions from 3 submitters: Uncertain significance (3). Last evaluated 2024-10-21.

Conditions:
Inborn genetic diseases. Identifiers: MedGen C0950123, MeSH D030342.

gnomAD v4.1: 5 of 1,613,292 alleles (0.00031%); highest among the groups gnomAD compares: Non-Finnish European, 0.00042%; no homozygotes.

Submissions (3):

Labcorp Genetics (formerly Invitae), Labcorp
Classification: Uncertain significance. Last evaluated: 2024-10-21. Review status: criteria provided, single submitter. Criteria: Invitae Variant Classification Sherloc (09022015). Collection method: clinical testing. Allele origin: germline.
Comment: This sequence change replaces isoleucine, which is neutral and non-polar, with phenylalanine, which is neutral and non-polar, at codon 132 of the PIGP protein (p.Ile132Phe). This variant is present in population databases (rs200401315, gnomAD 0.0009%). This variant has not been reported in the literature in individuals affected with PIGP-related conditions. ClinVar contains an entry for this variant (Variation ID: 2105495). An algorithm developed to predict the effect of missense changes on protein structure and function (PolyPhen-2) suggests that this variant is likely to be disruptive. In summary, the available evidence is currently insufficient to determine the role of this variant in disease. Therefore, it has been classified as a Variant of Uncertain Significance.

Blueprint Genetics
Classification: Uncertain significance. Last evaluated: 2024-10-08. Review status: criteria provided, single submitter. Criteria: ACMG Guidelines, 2015. Collection method: clinical testing. Allele origin: germline.

Ambry Genetics
Classification: Uncertain significance for Inborn genetic diseases. Last evaluated: 2023-06-06. Review status: criteria provided, single submitter. Criteria: Ambry Variant Classification Scheme 2023. Collection method: clinical testing. Allele origin: germline.